The following is an entry in ClinVar:

ClinVar aggregate classification (germline): Uncertain significance. Review status: criteria provided, multiple submitters, no conflicts (2 of 4 stars). 2 submissions from 2 submitters: Uncertain significance (2). Last evaluated 2025-08-25.

Conditions:
Cystic fibrosis (CF). Also called: MUCOVISCIDOSIS. Identifiers: Orphanet 586, MedGen C0010674, MONDO:0009061, OMIM 219700. Disease mechanism: loss of function.

Submissions (2):

Labcorp Genetics (formerly Invitae), Labcorp
Classification: Uncertain significance for Cystic fibrosis. Last evaluated: 2025-08-25. Review status: criteria provided, single submitter. Criteria: Invitae Variant Classification Sherloc (09022015). Collection method: clinical testing. Allele origin: germline.
Comment: This sequence change replaces proline, which is neutral and non-polar, with serine, which is neutral and polar, at codon 1175 of the CFTR protein (p.Pro1175Ser). This variant is not present in population databases (gnomAD no frequency). This variant has not been reported in the literature in individuals affected with CFTR-related conditions. ClinVar contains an entry for this variant (Variation ID: 2453611). Invitae Evidence Modeling of protein sequence and biophysical properties (such as structural, functional, and spatial information, amino acid conservation, physicochemical variation, residue mobility, and thermodynamic stability) indicates that this missense variant is not expected to disrupt CFTR protein function with a negative predictive value of 80%. In summary, the available evidence is currently insufficient to determine the role of this variant in disease. Therefore, it has been classified as a Variant of Uncertain Significance.

Ambry Genetics
Classification: Uncertain significance for Cystic fibrosis. Last evaluated: 2022-11-04. Review status: criteria provided, single submitter. Criteria: Ambry Variant Classification Scheme 2023. Collection method: clinical testing. Allele origin: germline.
Comment: The p.P1175S variant (also known as c.3523C>T), located in coding exon 22 of the CFTR gene, results from a C to T substitution at nucleotide position 3523. The proline at codon 1175 is replaced by serine, an amino acid with similar properties. This amino acid position is conserved. In addition, this alteration is predicted to be tolerated by in silico analysis. Since supporting evidence is limited at this time, the clinical significance of this alteration remains unclear.

NM_000492.4(CFTR):c.3523C>T (p.Pro1175Ser)

Genes: CFTR (CF transmembrane conductance regulator; plus strand), CFTR-AS2 (CFTR antisense RNA 2; minus strand). Cytogenetic location: 7q31.2.
Variant type: single nucleotide variant.
Coding change: c.3523C>T on transcript NM_000492.4 (MANE Select); coding-DNA position 3523, C replaced by T.
Protein change: p.Pro1175Ser; replaces proline 1175 with serine.
Molecular consequence: missense variant.
Genome position (GRCh38, 1-based): chr7:117,627,576, C>T. VCF-style: chr7-117627576-C-T. GRCh37 (hg19) VCF-style: chr7-117267630-C-T.
Other names: short protein forms P1175S.
Identifiers: ClinVar variation 2453611 (VCV002453611.3), dbSNP rs2485146196, ClinGen allele CA368996231.